The following is an entry in ClinVar:

NM_145239.3(PRRT2):c.667G>A (p.Val223Ile)

Genes: MVP-DT (MVP divergent transcript; minus strand), PRRT2 (proline rich transmembrane protein 2; plus strand). Cytogenetic location: 16p11.2.
Variant type: single nucleotide variant.
Coding change: c.667G>A on transcript NM_145239.3 (MANE Select); coding-DNA position 667, G replaced by A.
Protein change: p.Val223Ile; replaces valine 223 with isoleucine.
Molecular consequence: missense variant.
Genome position (GRCh38, 1-based): chr16:29,813,721, G>A. VCF-style: chr16-29813721-G-A. GRCh37 (hg19) VCF-style: chr16-29825042-G-A.
Other names: c.667G>A, p.Val223Ile (NM_001256442.2, NM_001256443.2); short protein forms V223I.
Identifiers: ClinVar variation 1051581 (VCV001051581.9), dbSNP rs2142426155, ClinGen allele CA395479218.

ClinVar aggregate classification (germline): Uncertain significance (1 of 4 stars; one submission).

Conditions:
Episodic kinesigenic dyskinesia (EKD). Also called: Paroxysmal kinesigenic dyskinesia. Identifiers: Orphanet 98809, MedGen C1868682, MONDO:0044202.

Submission:

Labcorp Genetics (formerly Invitae), Labcorp
Classification: Uncertain significance for Episodic kinesigenic dyskinesia. Last evaluated: 2020-10-18. Review status: criteria provided, single submitter. Criteria: Invitae Variant Classification Sherloc (09022015). Collection method: clinical testing. Allele origin: germline.
Comment: This sequence change replaces valine with isoleucine at codon 223 of the PRRT2 protein (p.Val223Ile). The valine residue is highly conserved and there is a small physicochemical difference between valine and isoleucine. In summary, the available evidence is currently insufficient to determine the role of this variant in disease. Therefore, it has been classified as a Variant of Uncertain Significance. Algorithms developed to predict the effect of missense changes on protein structure and function are either unavailable or do not agree on the potential impact of this missense change (SIFT: "Deleterious"; PolyPhen-2: "Possibly Damaging"; Align-GVGD: "Class C0"). This variant has not been reported in the literature in individuals with PRRT2-related conditions. This variant is not present in population databases (ExAC no frequency).